The following is an entry in ClinVar:

ClinVar aggregate classification (germline): Uncertain significance (1 of 4 stars; one submission).

Conditions:
Biotin-responsive basal ganglia disease (BTBGD). Also called: Thiamine metabolism dysfunction syndrome 2 (biotin- or thiamine-responsive encephalopathy type 2); thiamine-responsive encephalopathy; Thiamine Transporter-2 Deficiency; Thiamine metabolism dysfunction syndrome type 2; THIAMINE METABOLISM DYSFUNCTION SYNDROME 2 (BIOTIN- AND THIAMINE-RESPONSIVE TYPE). Identifiers: Orphanet 199348, Orphanet 65284, MedGen C1843807, MONDO:0011841, OMIM 607483.

Allele frequency attached by ClinVar (database versions not stated): TOPMed below 0.00001; gnomAD exomes 0.00001.
gnomAD v4.1: 8 of 1,613,938 alleles (0.0005%); highest among the groups gnomAD compares: Admixed American, 0.0017%; no homozygotes.

Submission:

Labcorp Genetics (formerly Invitae), Labcorp
Classification: Uncertain significance for Biotin-responsive basal ganglia disease. Last evaluated: 2025-10-01. Review status: criteria provided, single submitter. Criteria: Invitae Variant Classification Sherloc (09022015). Collection method: clinical testing. Allele origin: germline.
Comment: This sequence change replaces threonine, which is neutral and polar, with isoleucine, which is neutral and non-polar, at codon 411 of the SLC19A3 protein (p.Thr411Ile). This variant is not present in population databases (gnomAD no frequency). This variant has not been reported in the literature in individuals affected with SLC19A3-related conditions. ClinVar contains an entry for this variant (Variation ID: 2191180). Invitae Evidence Modeling of protein sequence and biophysical properties (such as structural, functional, and spatial information, amino acid conservation, physicochemical variation, residue mobility, and thermodynamic stability) has been performed for this missense variant. However, the output from this modeling did not meet the statistical confidence thresholds required to predict the impact of this variant on SLC19A3 protein function. In summary, the available evidence is currently insufficient to determine the role of this variant in disease. Therefore, it has been classified as a Variant of Uncertain Significance.

NM_025243.4(SLC19A3):c.1232C>T (p.Thr411Ile)

Gene: SLC19A3 (solute carrier family 19 member 3; minus strand). Cytogenetic location: 2q36.3.
Variant type: single nucleotide variant.
Coding change: c.1232C>T on transcript NM_025243.4 (MANE Select); coding-DNA position 1232, C replaced by T.
Protein change: p.Thr411Ile; replaces threonine 411 with isoleucine.
Molecular consequence: missense variant.
Genome position (GRCh38, 1-based): chr2:227,688,248, G>A on the plus strand (C>T on the coding strand, the complement: SLC19A3 is on the minus strand). VCF-style: chr2-227688248-G-A. GRCh37 (hg19) VCF-style: chr2-228552964-G-A.
Other names: c.1232C>T, p.Thr411Ile (NM_001371411.1, NM_001371412.1); c.1220C>T, p.Thr407Ile (NM_001371413.1, NM_001371414.1); short protein forms T407I, T411I.
Identifiers: ClinVar variation 2191180 (VCV002191180.2), dbSNP rs769334251, ClinGen allele CA66655731.